The following is an entry in ClinVar:

NM_000685.5(AGTR1):c.599dup (p.Asn200fs)

Gene: AGTR1 (angiotensin II receptor type 1; plus strand). Cytogenetic location: 3q24.
Variant type: Duplication.
Coding change: c.599dup on transcript NM_000685.5 (MANE Select); coding-DNA position 599, one base duplicated (A; older notation c.599dupA).
Protein change: p.Asn200fs; shifts the reading frame from asparagine 200.
Molecular consequence: frameshift variant.
Genome position (GRCh38, 1-based): chr3:148,741,634, A duplicated; the last of 5 consecutive A bases (chr3:148,741,630-148,741,634); duplicating any one gives the same sequence. VCF-style (leftmost placement, unchanged base first): chr3-148741629-C-CA. GRCh37 (hg19) VCF-style: chr3-148459416-C-CA.
Other names: c.599dup, p.Asn200fs (NM_001382736.1, NM_001382737.1, NM_004835.5 and 3 more transcripts); short protein forms N200fs.
Identifiers: ClinVar variation 1179033 (VCV001179033.10), dbSNP rs1559934279, ClinGen allele CA547365418.

ClinVar aggregate classification (germline): Likely pathogenic. Review status: criteria provided, multiple submitters, no conflicts (2 of 4 stars). 2 submissions from 2 submitters: Likely pathogenic (2). Last evaluated 2024-04-10.

Conditions:
Essential hypertension. Identifiers: MedGen C0085580, MONDO:0001134.
Renal tubular dysgenesis. Also called: Renotubular dysgenesis. Identifiers: Orphanet 3033, MedGen C0266313, MONDO:0017609, HP:0008660.

Submissions (2):

Labcorp Genetics (formerly Invitae), Labcorp
Classification: Likely pathogenic. Last evaluated: 2024-04-10. Review status: criteria provided, single submitter. Criteria: Invitae Variant Classification Sherloc (09022015). Collection method: clinical testing. Allele origin: germline.
Comment: This sequence change creates a premature translational stop signal (p.Asn235Lysfs*28) in the AGTR1 gene. While this is not anticipated to result in nonsense mediated decay, it is expected to disrupt the last 160 amino acid(s) of the AGTR1 protein. This variant is present in population databases (no rsID available, gnomAD 0.009%). This premature translational stop signal has been observed in individuals with renal tubular dysgenesis (PMID: 28973083; Invitae). ClinVar contains an entry for this variant (Variation ID: 1179033). This variant disrupts a region of the AGTR1 protein in which other variant(s) (p.Thr317Met) have been observed in individuals with AGTR1-related conditions (PMID: 16116425). This suggests that this is a clinically significant region of the protein, and that variants that disrupt it are likely to be disease-causing. In summary, the currently available evidence indicates that the variant is pathogenic, but additional data are needed to prove that conclusively. Therefore, this variant has been classified as Likely Pathogenic.

Fulgent Genetics
Classification: Likely pathogenic for Essential hypertension, genetic; Renal tubular dysgenesis of genetic origin. Last evaluated: 2021-06-30. Review status: criteria provided, single submitter. Criteria: ACMG Guidelines, 2015. Collection method: clinical testing. Allele origin: unknown.
Comment: This variant has been detected in individual(s) who were sent for testing of Renasight - kidney gene panel.

Literature cited by the submitters: PubMed 28973083 (cited by Labcorp Genetics (formerly Invitae), Labcorp); PubMed 16116425 (cited by Labcorp Genetics (formerly Invitae), Labcorp).